The following is an entry in ClinVar:

ClinVar aggregate classification (germline): Uncertain significance (1 of 4 stars; one submission).

Submission:

Labcorp Genetics (formerly Invitae), Labcorp
Classification: Uncertain significance. Last evaluated: 2025-10-29. Review status: criteria provided, single submitter. Criteria: Invitae Variant Classification Sherloc (09022015). Collection method: clinical testing. Allele origin: germline.
Comment: This sequence change replaces lysine, which is basic and polar, with asparagine, which is neutral and polar, at codon 247 of the TBX20 protein (p.Lys247Asn). This variant is not present in population databases (gnomAD no frequency). This variant has not been reported in the literature in individuals affected with TBX20-related conditions. Invitae Evidence Modeling of protein sequence and biophysical properties (such as structural, functional, and spatial information, amino acid conservation, physicochemical variation, residue mobility, and thermodynamic stability) indicates that this missense variant is not expected to disrupt TBX20 protein function with a negative predictive value of 80%. In summary, the available evidence is currently insufficient to determine the role of this variant in disease. Therefore, it has been classified as a Variant of Uncertain Significance.

NM_001077653.2(TBX20):c.741G>T (p.Lys247Asn)

Gene: TBX20 (T-box transcription factor 20; minus strand). Cytogenetic location: 7p14.2.
Variant type: single nucleotide variant.
Coding change: c.741G>T on transcript NM_001077653.2 (MANE Select); coding-DNA position 741, G replaced by T.
Protein change: p.Lys247Asn; replaces lysine 247 with asparagine.
Molecular consequence: missense variant.
Genome position (GRCh38, 1-based): chr7:35,240,951, C>A on the plus strand (G>T on the coding strand, the complement: TBX20 is on the minus strand). VCF-style: chr7-35240951-C-A. GRCh37 (hg19) VCF-style: chr7-35280563-C-A.
Other names: c.741G>T, p.Lys247Asn (NM_001166220.1); short protein forms K247N.
Identifiers: ClinVar variation 4745509 (VCV004745509.1).